The following is an entry in ClinVar:

NM_000246.4(CIITA):c.1702G>A (p.Gly568Ser)

Gene: CIITA (class II major histocompatibility complex transactivator; plus strand). Cytogenetic location: 16p13.13.
Variant type: single nucleotide variant.
Coding change: c.1702G>A on transcript NM_000246.4 (MANE Select); coding-DNA position 1702, G replaced by A.
Protein change: p.Gly568Ser; replaces glycine 568 with serine.
Molecular consequence: missense variant. On other transcripts: intron variant (1).
Genome position (GRCh38, 1-based): chr16:10,907,194, G>A. VCF-style: chr16-10907194-G-A. GRCh37 (hg19) VCF-style: chr16-11001051-G-A.
Other names: c.1705G>A, p.Gly569Ser (NM_001286402.1, NM_001379332.1); c.1558G>A, p.Gly520Ser (NM_001379330.1); c.1555G>A, p.Gly519Ser (NM_001379331.1); c.1702G>A, p.Gly568Ser (NM_001379333.1); c.1633G>A, p.Gly545Ser (NM_001379334.1); c.860-1789G>A (NM_001286403.2); short protein forms G568S, G569S, G519S, G520S, G545S.
Identifiers: ClinVar variation 573669 (VCV000573669.7), dbSNP rs749343874, ClinGen allele CA7900201.
Genomic context (GRCh38, chr16:10,907,194, plus strand): 5'-CGGCCCCGGGGCCGCCTGGTCCAGAGCCTGAGCAAGGCCGACGCCCTATTTGAGCTGTCC[G>A]GCTTCTCCATGGAGCAGGCCCAGGCATACGTGATGCGCTACTTTGAGAGCTCAGGGATGA-3'
Protein context (NP_000237.2, residues 558-578): SKADALFELS[Gly568Ser]FSMEQAQAYV

ClinVar aggregate classification (germline): Uncertain significance. Review status: criteria provided, multiple submitters, no conflicts (2 of 4 stars). 3 submissions from 3 submitters: Uncertain significance (2). 1 of the submissions does not count toward it. Last evaluated 2024-11-27.

Conditions:
MHC class II deficiency. Also called: BLS, TYPE II; Bare lymphocyte syndrome 2. Identifiers: Orphanet 572, MedGen C5447452, MONDO:0008855.

Allele frequency attached by ClinVar (database versions not stated): TOPMed 0.00003; gnomAD 0.00004 and 0.00005; ExAC 0.00006; gnomAD exomes 0.00008 and 0.00014.
gnomAD v4.1: 211 of 1,613,228 alleles (0.013%); highest among the groups gnomAD compares: Non-Finnish European, 0.017%; no homozygotes.

Submissions (3):

Blueprint Genetics
Classification: Uncertain significance. Last evaluated: 2024-11-27. Review status: criteria provided, single submitter. Criteria: ACMG Guidelines, 2015. Collection method: clinical testing. Allele origin: germline.

Labcorp Genetics (formerly Invitae), Labcorp
Classification: Uncertain significance for MHC class II deficiency. Last evaluated: 2024-10-24. Review status: criteria provided, single submitter. Criteria: Invitae Variant Classification Sherloc (09022015). Collection method: clinical testing. Allele origin: germline.
Comment: This sequence change replaces glycine, which is neutral and non-polar, with serine, which is neutral and polar, at codon 568 of the CIITA protein (p.Gly568Ser). This variant is present in population databases (rs749343874, gnomAD 0.01%). This variant has not been reported in the literature in individuals affected with CIITA-related conditions. ClinVar contains an entry for this variant (Variation ID: 573669). An algorithm developed to predict the effect of missense changes on protein structure and function outputs the following: PolyPhen-2: "Possibly Damaging". The serine amino acid residue is found in multiple mammalian species, which suggests that this missense change does not adversely affect protein function. In summary, the available evidence is currently insufficient to determine the role of this variant in disease. Therefore, it has been classified as a Variant of Uncertain Significance.

Natera, Inc.
Classification: Uncertain significance for Bare lymphocyte syndrome type II. Last evaluated: 2020-04-24. Review status: no assertion criteria provided. Collection method: clinical testing. Allele origin: germline. Not counted in ClinVar's aggregate classification.